The following is an entry in ClinVar:

ClinVar aggregate classification (germline): Benign/Likely benign. Review status: criteria provided, multiple submitters, no conflicts (2 of 4 stars). 4 submissions from 4 submitters: Benign (1); Likely benign (3). Last evaluated 2025-01-27.

Conditions:
Hereditary nonpolyposis colorectal neoplasms. Identifiers: MedGen C0009405, MeSH D003123.
Hereditary cancer-predisposing syndrome. Also called: Tumor predisposition; Neoplastic Syndromes, Hereditary; Hereditary neoplastic syndrome; Hereditary Cancer Syndrome. Identifiers: Orphanet 140162, MedGen C0027672, MeSH D009386, MONDO:0015356.
Lynch syndrome 4 (LYNCH4). Also called: Hereditary non-polyposis colorectal cancer, type 4; Colorectal cancer, hereditary nonpolyposis, type 4. Identifiers: Orphanet 144, MedGen C1838333, MONDO:0013699, OMIM 614337. Disease mechanism: loss of function.

Submissions (4):

Myriad Genetics, Inc.
Classification: Benign for Lynch syndrome 4. Last evaluated: 2025-01-27. Review status: criteria provided, single submitter. Criteria: Myriad Autosomal Dominant, Autosomal Recessive and X-Linked Classification Criteria (2023). Collection method: clinical testing. Allele origin: unknown.
Comment: This variant is considered benign. This variant is a silent/synonymous amino acid change and it is not expected to impact splicing.

Labcorp Genetics (formerly Invitae), Labcorp
Classification: Likely benign for Hereditary nonpolyposis colorectal neoplasms. Last evaluated: 2022-12-15. Review status: criteria provided, single submitter. Criteria: Invitae Variant Classification Sherloc (09022015). Collection method: clinical testing. Allele origin: germline.

Ambry Genetics
Classification: Likely benign for Hereditary cancer-predisposing syndrome. Last evaluated: 2022-12-01. Review status: criteria provided, single submitter. Criteria: Ambry Variant Classification Scheme 2023. Collection method: clinical testing. Allele origin: germline.

Color Diagnostics, LLC DBA Color Health
Classification: Likely benign for Hereditary cancer-predisposing syndrome. Last evaluated: 2017-06-26. Review status: criteria provided, single submitter. Criteria: ACMG Guidelines, 2015. Collection method: clinical testing. Allele origin: germline.

NM_000535.7(PMS2):c.606C>T (p.Cys202=)

Gene: PMS2 (PMS1 homolog 2, mismatch repair system component; minus strand). Cytogenetic location: 7p22.1.
Variant type: single nucleotide variant.
Coding change: c.606C>T on transcript NM_000535.7 (MANE Select); coding-DNA position 606, C replaced by T.
Protein change: p.Cys202=; no amino-acid change (cysteine 202 retained).
Molecular consequence: synonymous variant. On other transcripts: 5 prime UTR variant (2), non-coding transcript variant (1), intron variant (1).
Genome position (GRCh38, 1-based): chr7:5,999,207, G>A on the plus strand (C>T on the coding strand, the complement: PMS2 is on the minus strand). VCF-style: chr7-5999207-G-A. GRCh37 (hg19) VCF-style: chr7-6038838-G-A.
Other names: c.201C>T, p.Cys67= (NM_001322003.2, NM_001322004.2, NM_001322005.2 and 2 more transcripts); c.606C>T, p.Cys202= (NM_001322006.2, NM_001322014.2); c.288C>T, p.Cys96= (NM_001322007.2, NM_001322008.2); c.-328C>T (NM_001322011.2, NM_001322012.2); c.297C>T, p.Cys99= (NM_001322015.2); c.133-1784C>T (NM_001322013.2).
Identifiers: ClinVar variation 630482 (VCV000630482.14), dbSNP rs1562678720, ClinGen allele CA453647115.
Genomic context (GRCh38, chr7:5,999,207, plus strand): 5'-GCTGGGGCTTCCACCTGTGCATACCACAGGCTGTCGTTTTCCTTGTCCAAGCTGATTGGT[G>A]CAACTTACACGGATGCCTGCTGAAATGATACAGTATGCATGTAAGACCTGGACCATTTTG-3'
Protein context (NP_000526.2, residues 192-212): CIISAGIRVS[Cys202=]TNQLGQGKRQ